The following is an entry in ClinVar:

ClinVar aggregate classification (germline): Uncertain significance. Review status: criteria provided, multiple submitters, no conflicts (2 of 4 stars). 6 submissions from 6 submitters: Uncertain significance (5). 1 of the submissions does not count toward it. Last evaluated 2025-02-05.

Conditions:
Hereditary cancer-predisposing syndrome. Also called: Tumor predisposition; Hereditary Cancer Syndrome; Hereditary neoplastic syndrome; Neoplastic Syndromes, Hereditary. Identifiers: Orphanet 140162, MedGen C0027672, MeSH D009386, MONDO:0015356.
Microcephaly, normal intelligence and immunodeficiency (NBS). Also called: IMMUNODEFICIENCY, MICROCEPHALY, AND CHROMOSOMAL INSTABILITY; SEEMANOVA SYNDROME II; Nijmegen breakage syndrome; Microcephaly with normal intelligence immunodeficiency and lymphoreticular malignancies; Nonsyndromal microcephaly autosomal recessive with normal intelligence; Seemanova syndrome 2. Identifiers: Orphanet 647, MedGen C0398791, MONDO:0009623, OMIM 251260.

Allele frequency attached by ClinVar (database versions not stated): gnomAD exomes below 0.00001; ExAC 0.00001; gnomAD 0.00001.
gnomAD v4.1: 10 of 1,613,458 alleles (0.00062%); highest among the groups gnomAD compares: African/African-American, 0.0013%; no homozygotes.

Submissions (6):

GeneDx
Classification: Uncertain significance. Last evaluated: 2025-02-05. Review status: criteria provided, single submitter. Criteria: GeneDx Variant Classification Process June 2021. Collection method: clinical testing. Allele origin: germline. Affected: yes.
Comment: Not observed at significant frequency in large population cohorts (gnomAD); In silico analysis indicates that this missense variant does not alter protein structure/function; This variant is associated with the following publications: (PMID: 36346689, 33471991, 32658311)

Labcorp Genetics (formerly Invitae), Labcorp
Classification: Uncertain significance for Microcephaly, normal intelligence and immunodeficiency. Last evaluated: 2024-05-13. Review status: criteria provided, single submitter. Criteria: Invitae Variant Classification Sherloc (09022015). Collection method: clinical testing. Allele origin: germline.
Comment: This sequence change replaces histidine, which is basic and polar, with arginine, which is basic and polar, at codon 540 of the NBN protein (p.His540Arg). This variant is present in population databases (rs730881852, gnomAD 0.0009%). This variant has not been reported in the literature in individuals affected with NBN-related conditions. ClinVar contains an entry for this variant (Variation ID: 182723). An algorithm developed to predict the effect of missense changes on protein structure and function (PolyPhen-2) suggests that this variant¬†is likely to be tolerated. In summary, the available evidence is currently insufficient to determine the role of this variant in disease. Therefore, it has been classified as a Variant of Uncertain Significance.

Quest Diagnostics Nichols Institute San Juan Capistrano
Classification: Uncertain significance. Last evaluated: 2023-11-06. Review status: criteria provided, single submitter. Criteria: Quest Diagnostics criteria. Collection method: clinical testing. Allele origin: unknown.
Comment: The NBN c.1619A>G (p.His540Arg) variant has been reported in the published literature in an individual with breast cancer (PMID: 33471991 (2021), see also LOVD) and an individual with an unspecified cancer (PMID: 32658311 (2021)). This variant has also been reported in unaffected individuals (PMID: 36346689 (2023)). The frequency of this variant in the general population, 0.000004 (1/251066 chromosomes (Genome Aggregation Database)), is uninformative in the assessment of its pathogenicity. Analysis of this variant using bioinformatics tools for the prediction of the effect of amino acid changes on protein structure and function yielded predictions that this variant is benign. Based on the available information, we are unable to determine the clinical significance of this variant.

Ambry Genetics
Classification: Uncertain significance for Hereditary cancer-predisposing syndrome. Last evaluated: 2023-02-21. Review status: criteria provided, single submitter. Criteria: Ambry Variant Classification Scheme 2023. Collection method: clinical testing. Allele origin: germline.
Comment: The p.H540R variant (also known as c.1619A>G), located in coding exon 11 of the NBN gene, results from an A to G substitution at nucleotide position 1619. The histidine at codon 540 is replaced by arginine, an amino acid with highly similar properties. This alteration was seen in 0/732 breast cancer patients, 0/189 colorectal cancer patients and 1/490 cancer-free elderly controls in a Turkish population (Akcay IM et al. Int J Cancer, 2021 Jan;148:285-295). This amino acid position is poorly conserved in available vertebrate species. In addition, this alteration is predicted to be tolerated by in silico analysis. Since supporting evidence is limited at this time, the clinical significance of this alteration remains unclear.

Genome-Nilou Lab
Classification: Uncertain significance for Microcephaly, normal intelligence and immunodeficiency. Last evaluated: 2021-11-07. Review status: criteria provided, single submitter. Criteria: ACMG Guidelines, 2015. Collection method: clinical testing. Allele origin: germline. Affected: no.

Natera, Inc.
Classification: Uncertain significance for Nijmegen breakage syndrome. Last evaluated: 2020-09-03. Review status: no assertion criteria provided. Collection method: clinical testing. Allele origin: germline. Not counted in ClinVar's aggregate classification.

Literature cited by the submitters: PubMed 32658311 (cited by Quest Diagnostics Nichols Institute San Juan Capistrano and Ambry Genetics); PubMed 36346689 (cited by Quest Diagnostics Nichols Institute San Juan Capistrano); PubMed 33471991 (cited by Quest Diagnostics Nichols Institute San Juan Capistrano).

NM_002485.5(NBN):c.1619A>G (p.His540Arg)

Gene: NBN (nibrin; minus strand). Cytogenetic location: 8q21.3.
Variant type: single nucleotide variant.
Coding change: c.1619A>G on transcript NM_002485.5 (MANE Select); coding-DNA position 1619, A replaced by G.
Protein change: p.His540Arg; replaces histidine 540 with arginine.
Molecular consequence: missense variant.
Genome position (GRCh38, 1-based): chr8:89,953,470, T>C on the plus strand (A>G on the coding strand, the complement: NBN is on the minus strand). VCF-style: chr8-89953470-T-C. GRCh37 (hg19) VCF-style: chr8-90965698-T-C.
Other names: p.H540R:CAT>CGT; c.1373A>G, p.His458Arg (NM_001024688.3); short protein forms H540R, H458R.
Identifiers: ClinVar variation 182723 (VCV000182723.26), dbSNP rs730881852, ClinGen allele CA299618.